The following is an entry in ClinVar:

ClinVar aggregate classification (germline): Uncertain significance. Review status: criteria provided, multiple submitters, no conflicts (2 of 4 stars). 4 submissions from 4 submitters: Uncertain significance (4). Last evaluated 2024-07-19.

Conditions:
CREBBP-related disorder. Also called: CREBBP-related condition; CREBBP-related disorders.
Rubinstein-Taybi syndrome (RSTS). Identifiers: Orphanet 783, MedGen C0035934, MONDO:0019188.
Rubinstein-Taybi syndrome due to CREBBP mutations (RSTS1). Also called: RUBINSTEIN-TAYBI SYNDROME 1, INCOMPLETE; BROAD THUMB-HALLUX SYNDROME; BROAD THUMBS AND GREAT TOES, CHARACTERISTIC FACIES, AND IMPAIRED INTELLECTUAL DEVELOPMENT; CREBBP-Related Rubinstein-Taybi Syndrome; RUBINSTEIN SYNDROME; Rubinstein-Taybi syndrome 1. Identifiers: Orphanet 353277, Orphanet 783, MedGen C4551859, MONDO:0008393, OMIM 180849.
Menke-Hennekam syndrome 1 (MKHK1). Identifiers: MedGen C5193034, MONDO:0020763, OMIM 618332.

Allele frequency attached by ClinVar (database versions not stated): gnomAD exomes below 0.00001; TOPMed below 0.00001; gnomAD 0.00001.
gnomAD v4.1: 8 of 1,613,970 alleles (0.0005%); highest among the groups gnomAD compares: South Asian, 0.0011%; no homozygotes.

Submissions (4):

Labcorp Genetics (formerly Invitae), Labcorp
Classification: Uncertain significance for Rubinstein-Taybi syndrome. Last evaluated: 2024-07-19. Review status: criteria provided, single submitter. Criteria: Invitae Variant Classification Sherloc (09022015). Collection method: clinical testing. Allele origin: germline.
Comment: This sequence change replaces arginine, which is basic and polar, with glutamine, which is neutral and polar, at codon 2294 of the CREBBP protein (p.Arg2294Gln). This variant is not present in population databases (gnomAD no frequency). This variant has not been reported in the literature in individuals affected with CREBBP-related conditions. ClinVar contains an entry for this variant (Variation ID: 418149). Advanced modeling of protein sequence and biophysical properties (such as structural, functional, and spatial information, amino acid conservation, physicochemical variation, residue mobility, and thermodynamic stability) performed at Invitae indicates that this missense variant is not expected to disrupt CREBBP protein function with a negative predictive value of 95%. In summary, the available evidence is currently insufficient to determine the role of this variant in disease. Therefore, it has been classified as a Variant of Uncertain Significance.

Fulgent Genetics
Classification: Uncertain significance for Rubinstein-Taybi syndrome due to CREBBP mutations; Menke-Hennekam syndrome 1. Last evaluated: 2024-06-18. Review status: criteria provided, single submitter. Criteria: ACMG Guidelines, 2015. Collection method: clinical testing. Allele origin: germline.

PreventionGenetics, part of Exact Sciences
Classification: Uncertain significance for CREBBP-related condition. Last evaluated: 2022-11-08. Review status: criteria provided, single submitter. Criteria: ACMG Guidelines, 2015. Collection method: clinical testing. Allele origin: germline.
Comment: The CREBBP c.6881G>A variant is predicted to result in the amino acid substitution p.Arg2294Gln. To our knowledge, this variant has not been reported in the literature or in a large population database, indicating this variant is rare. At this time, the clinical significance of this variant is uncertain due to the absence of conclusive functional and genetic evidence.

GeneDx
Classification: Uncertain significance. Last evaluated: 2018-08-11. Review status: criteria provided, single submitter. Criteria: GeneDx Variant Classification (06012015). Collection method: clinical testing. Allele origin: germline. Affected: yes.
Comment: The R2294Q variant in the CREBBP gene has not been reported previously as a pathogenic variant, nor as a benign variant, to our knowledge. This variant is not observed in large population cohorts (Lek et al., 2016; 1000 Genomes Consortium et al., 2015; Exome Variant Server). The R2294Q variant is a semi-conservative amino acid substitution, which may impact secondary protein structure as these residues differ in some properties. This substitution occurs at a position that is conserved across species. In silico analysis is inconsistent in its predictions as to whether or not the variant is damaging to the protein structure/function. We interpret R2294Q as a variant of uncertain significance.

NM_004380.3(CREBBP):c.6881G>A (p.Arg2294Gln)

Gene: CREBBP (CREB binding lysine acetyltransferase; minus strand). Cytogenetic location: 16p13.3.
Variant type: single nucleotide variant.
Coding change: c.6881G>A on transcript NM_004380.3 (MANE Select); coding-DNA position 6881, G replaced by A.
Protein change: p.Arg2294Gln; replaces arginine 2294 with glutamine.
Molecular consequence: missense variant.
Genome position (GRCh38, 1-based): chr16:3,728,166, C>T on the plus strand (G>A on the coding strand, the complement: CREBBP is on the minus strand). VCF-style: chr16-3728166-C-T. GRCh37 (hg19) VCF-style: chr16-3778167-C-T.
Other names: c.6767G>A, p.Arg2256Gln (NM_001079846.1); short protein forms R2294Q, R2256Q.
Identifiers: ClinVar variation 418149 (VCV000418149.7), dbSNP rs1064793091, ClinGen allele CA16620194.